The following is an entry in ClinVar:

ClinVar aggregate classification (germline): Likely benign (0 of 4 stars; one submission).

Conditions:
ATP8B1-related disorder. Also called: ATP8B1-related condition; ATP8B1-related disorders.

Allele frequency attached by ClinVar (database versions not stated): gnomAD exomes 0.00001.
gnomAD v4.1: 8 of 1,531,242 alleles (0.00052%); highest among the groups gnomAD compares: Non-Finnish European, 0.00072%; no homozygotes.

Submission:

PreventionGenetics, part of Exact Sciences
Classification: Likely benign for ATP8B1-related condition. Last evaluated: 2023-10-17. Review status: no assertion criteria provided. Collection method: clinical testing. Allele origin: germline.
Comment: This variant is classified as likely benign based on ACMG/AMP sequence variant interpretation guidelines (Richards et al. 2015 PMID: 25741868, with internal and published modifications).

NM_001374385.1(ATP8B1):c.1029+4T>G

Genes: ATP8B1 (ATPase phospholipid transporting 8B1; minus strand), LOC126862761 (CDK7 strongly-dependent group 2 enhancer GRCh37_chr18:55360919-55362118; plus strand). Cytogenetic location: 18q21.31.
Variant type: single nucleotide variant.
Coding change: c.1029+4T>G on transcript NM_001374385.1 (MANE Select); 4 bases into the intron after coding-DNA position 1029, T replaced by G.
Molecular consequence: intron variant.
Genome position (GRCh38, 1-based): chr18:57,694,578, A>C on the plus strand (T>G on the coding strand, the complement: ATP8B1 is on the minus strand). VCF-style: chr18-57694578-A-C. GRCh37 (hg19) VCF-style: chr18-55361810-A-C.
Other names: c.1029+4T>G (NM_005603.6); c.879+4T>G (NM_001374386.1).
Identifiers: ClinVar variation 3036363 (VCV003036363.2), dbSNP rs2511766720, ClinGen allele CA2576512568.